The following is an entry in ClinVar:

ClinVar aggregate classification (germline): Pathogenic/Likely pathogenic. Review status: criteria provided, multiple submitters, no conflicts (2 of 4 stars). 2 submissions from 2 submitters: Pathogenic (1); Likely pathogenic (1). Last evaluated 2024-03-18.

Conditions:
Usher syndrome type 1F (USH1F). Also called: USHER SYNDROME, TYPE IF. Identifiers: Orphanet 231169, Orphanet 886, MedGen C1865885, MONDO:0011186, OMIM 602083.

Submissions (2):

Natera, Inc.
Classification: Likely pathogenic for Usher syndrome type 1F. Last evaluated: 2024-03-18. Review status: criteria provided, single submitter. Criteria: Natera Variant Classification Schema (03/2026). Collection method: clinical testing. Allele origin: germline.
Comment: The c.3660_3666delTCAAGTT variant in PCDH15 is a frameshift variant predicted to shift the reading frame beginning at codon 1220 and leads to a stop codon 11 codons downstream. This variant is expected to result in nonsense mediated decay, truncation, or a dysfunctional protein product. This variant is rare in the general population with a frequency below the threshold expected for the associated phenotype(s). Given the available evidence, this variant is classified as Likely Pathogenic.

Labcorp Genetics (formerly Invitae), Labcorp
Classification: Pathogenic. Last evaluated: 2022-07-23. Review status: criteria provided, single submitter. Criteria: Invitae Variant Classification Sherloc (09022015). Collection method: clinical testing. Allele origin: germline.
Comment: This sequence change creates a premature translational stop signal (p.Phe1220Leufs*11) in the PCDH15 gene. It is expected to result in an absent or disrupted protein product. Loss-of-function variants in PCDH15 are known to be pathogenic (PMID: 11398101, 11487575, 14570705). This variant is present in population databases (no rsID available, gnomAD 0.0009%). This variant has not been reported in the literature in individuals affected with PCDH15-related conditions. For these reasons, this variant has been classified as Pathogenic.

Literature cited by the submitters: PubMed 11398101 (cited by Labcorp Genetics (formerly Invitae), Labcorp); PubMed 11487575 (cited by Labcorp Genetics (formerly Invitae), Labcorp); PubMed 14570705 (cited by Labcorp Genetics (formerly Invitae), Labcorp).

NM_001384140.1(PCDH15):c.3660_3666del (p.Phe1220fs)

Gene: PCDH15 (protocadherin related 15; minus strand). Cytogenetic location: 10q21.1.
Variant type: Microsatellite.
Coding change: c.3660_3666del on transcript NM_001384140.1 (MANE Select); coding-DNA positions 3660 to 3666, 7 bases deleted (TCAAGTT; older notation c.3660_3666delTCAAGTT).
Protein change: p.Phe1220fs; shifts the reading frame from phenylalanine 1220.
Molecular consequence: frameshift variant.
Genome position (GRCh38, 1-based): chr10:53,866,693-53,866,699, AACTTGA deleted on the plus strand (TCAAGTT on the coding strand, the reverse complement: PCDH15 is on the minus strand); deleting any 7 consecutive bases within chr10:53,866,693-53,866,707 gives the same sequence; the c. name uses the placement nearest the transcript's 3' end. VCF-style (leftmost placement, unchanged base first): chr10-53866692-TAACTTGA-T. GRCh37 (hg19) VCF-style: chr10-55626452-TAACTTGA-T.
Other names: c.3675_3681del, p.Phe1225fs (NM_001142763.2, NM_001142771.2); c.3660_3666del, p.Phe1220fs (NM_001142764.2, NM_001142766.2, NM_001142770.3 and 4 more transcripts); c.3447_3453del, p.Phe1149fs (NM_001142765.2); c.3549_3555del, p.Phe1183fs (NM_001142767.2); c.3594_3600del, p.Phe1198fs (NM_001142768.2, NM_001142773.2, NM_001354404.2); c.3688_3694TTCAAGT[1], p.Phe1232Leufs (NM_001142769.4); c.3681_3687del, p.Phe1227fs (NM_001354411.2); short protein forms F1225fs, F1183fs, F1227fs, F1232fs, F1149fs, F1198fs, F1220fs.
Identifiers: ClinVar variation 2060250 (VCV002060250.5), dbSNP rs1564639645, ClinGen allele CA593494853.
Genomic context (GRCh38, chr10:53,866,692, plus strand): 5'-ATCTACTTACGAGTACATCGGCTTTGCCGCTCAGTCCCTTCCCATAGTCGTCAGTTGCAA[TAACTTGA>T]AACTTGAAGTAGGATCTCCTCATATTATGGAAGAGCATAGCAGTTTTGATAAGCCCTGTA-3'